The following is an entry in ClinVar:

ClinVar aggregate classification (germline): Uncertain significance (1 of 4 stars; one submission).

Submission:

GeneDx
Classification: Uncertain significance. Last evaluated: 2023-01-20. Review status: criteria provided, single submitter. Criteria: GeneDx Variant Classification Process June 2021. Collection method: clinical testing. Allele origin: germline. Affected: yes.
Comment: Not observed at significant frequency in large population cohorts (gnomAD); In silico analysis supports that this variant does not alter splicing; Nucleotide substitution has no predicted effect on splicing and is not conserved across species; Has not been previously published as pathogenic or benign to our knowledge

NM_014727.3(KMT2B):c.3529-3C>A

Gene: KMT2B (lysine methyltransferase 2B; plus strand). Cytogenetic location: 19q13.12.
Variant type: single nucleotide variant.
Coding change: c.3529-3C>A on transcript NM_014727.3 (MANE Select); 3 bases into the intron before coding-DNA position 3529, C replaced by A.
Molecular consequence: intron variant.
Genome position (GRCh38, 1-based): chr19:35,725,217, C>A. VCF-style: chr19-35725217-C-A. GRCh37 (hg19) VCF-style: chr19-36216118-C-A.
Identifiers: ClinVar variation 2573661 (VCV002573661.1), dbSNP rs2513330186, ClinGen allele CA2580613108.